The following is an entry in ClinVar:

NM_053025.4(MYLK):c.83C>G (p.Pro28Arg)

Gene: MYLK (myosin light chain kinase; minus strand). Cytogenetic location: 3q21.1.
Variant type: single nucleotide variant.
Coding change: c.83C>G on transcript NM_053025.4 (MANE Select); coding-DNA position 83, C replaced by G.
Protein change: p.Pro28Arg; replaces proline 28 with arginine.
Molecular consequence: missense variant. On other transcripts: 5 prime UTR variant (1).
Genome position (GRCh38, 1-based): chr3:123,793,759, G>C on the plus strand (C>G on the coding strand, the complement: MYLK is on the minus strand). VCF-style: chr3-123793759-G-C. GRCh37 (hg19) VCF-style: chr3-123512606-G-C.
Other names: c.-238C>G (NM_001321309.2); c.83C>G, p.Pro28Arg (NM_053026.4, NM_053027.4, NM_053028.4); short protein forms P28R.
Identifiers: ClinVar variation 2607861 (VCV002607861.8), dbSNP rs141974889, ClinGen allele CA073689.

ClinVar aggregate classification (germline): Uncertain significance. Review status: criteria provided, multiple submitters, no conflicts (2 of 4 stars). 3 submissions from 3 submitters: Uncertain significance (3). Last evaluated 2026-06-01.

Conditions:
Familial thoracic aortic aneurysm and aortic dissection (TAAD). Also called: Thoracic aortic aneurysms and dissections. Identifiers: Orphanet 91387, MedGen C4707243, MONDO:0019625.
Aortic aneurysm, familial thoracic 7 (AAT7). Also called: AORTIC DISSECTION, FAMILIAL, WITH OR WITHOUT AORTIC ANEURYSM. Identifiers: MedGen C3151077, MONDO:0013418, OMIM 613780.

Allele frequency attached by ClinVar (database versions not stated): ExAC 0.00001; gnomAD 0.00003; ESP Exome Variant Server 0.00008.
gnomAD v4.1: 8 of 1,613,646 alleles (0.0005%); highest among the groups gnomAD compares: African/African-American, 0.0094%; no homozygotes.

Submissions (3):

CeGaT Center for Human Genetics Tuebingen
Classification: Uncertain significance. Last evaluated: 2026-06-01. Review status: criteria provided, single submitter. Criteria: CeGaT Center For Human Genetics Tuebingen Variant Classification Criteria Version 2. Collection method: clinical testing. Allele origin: germline. Affected: yes. Observed: 1 variant allele.
Comment: MYLK: PM2, BP4

Ambry Genetics
Classification: Uncertain significance for Familial thoracic aortic aneurysm and aortic dissection. Last evaluated: 2024-10-04. Review status: criteria provided, single submitter. Criteria: Ambry Variant Classification Scheme 2023. Collection method: clinical testing. Allele origin: germline.

Labcorp Genetics (formerly Invitae), Labcorp
Classification: Uncertain significance for Aortic aneurysm, familial thoracic 7. Last evaluated: 2023-05-20. Review status: criteria provided, single submitter. Criteria: Invitae Variant Classification Sherloc (09022015). Collection method: clinical testing. Allele origin: germline.
Comment: This sequence change replaces proline, which is neutral and non-polar, with arginine, which is basic and polar, at codon 28 of the MYLK protein (p.Pro28Arg). This variant is present in population databases (rs141974889, gnomAD 0.007%). This variant has not been reported in the literature in individuals affected with MYLK-related conditions. Advanced modeling of protein sequence and biophysical properties (such as structural, functional, and spatial information, amino acid conservation, physicochemical variation, residue mobility, and thermodynamic stability) performed at Invitae indicates that this missense variant is not expected to disrupt MYLK protein function. In summary, the available evidence is currently insufficient to determine the role of this variant in disease. Therefore, it has been classified as a Variant of Uncertain Significance.